The following is an entry in ClinVar:

NM_004104.5(FASN):c.5404G>A (p.Glu1802Lys)

Gene: FASN (fatty acid synthase; minus strand). Cytogenetic location: 17q25.3.
Variant type: single nucleotide variant.
Coding change: c.5404G>A on transcript NM_004104.5 (MANE Select); coding-DNA position 5404, G replaced by A.
Protein change: p.Glu1802Lys; replaces glutamic acid 1802 with lysine.
Molecular consequence: missense variant.
Genome position (GRCh38, 1-based): chr17:82,083,363, C>T on the plus strand (G>A on the coding strand, the complement: FASN is on the minus strand). VCF-style: chr17-82083363-C-T. GRCh37 (hg19) VCF-style: chr17-80041239-C-T.
Other names: short protein forms E1802K.
Identifiers: ClinVar variation 462073 (VCV000462073.11), dbSNP rs764921764, ClinGen allele CA8851701.

ClinVar aggregate classification (germline): Uncertain significance. Review status: criteria provided, multiple submitters, no conflicts (2 of 4 stars). 2 submissions from 2 submitters: Uncertain significance (2). Last evaluated 2025-11-24.

Conditions:
Epileptic encephalopathy. Identifiers: MedGen C0543888, HP:0200134.

Allele frequency attached by ClinVar (database versions not stated): ExAC 0.00001; gnomAD exomes 0.00001 and 0.00002; TOPMed 0.00001.
gnomAD v4.1: 10 of 1,612,854 alleles (0.00062%); highest among the groups gnomAD compares: Admixed American, 0.005%; no homozygotes.

Submissions (2):

Labcorp Genetics (formerly Invitae), Labcorp
Classification: Uncertain significance for Epileptic encephalopathy. Last evaluated: 2025-11-24. Review status: criteria provided, single submitter. Criteria: Invitae Variant Classification Sherloc (09022015). Collection method: clinical testing. Allele origin: germline.
Comment: This sequence change replaces glutamic acid, which is acidic and polar, with lysine, which is basic and polar, at codon 1802 of the FASN protein (p.Glu1802Lys). This variant is present in population databases (rs764921764, gnomAD 0.009%). This variant has not been reported in the literature in individuals affected with FASN-related conditions. ClinVar contains an entry for this variant (Variation ID: 462073). An algorithm developed to predict the effect of missense changes on protein structure and function outputs the following: PolyPhen-2: "Benign". The lysine amino acid residue is found in multiple mammalian species, which suggests that this missense change does not adversely affect protein function. In summary, the available evidence is currently insufficient to determine the role of this variant in disease. Therefore, it has been classified as a Variant of Uncertain Significance.

Ambry Genetics
Classification: Uncertain significance. Last evaluated: 2024-11-25. Review status: criteria provided, single submitter. Criteria: Ambry Variant Classification Scheme 2023. Collection method: clinical testing. Allele origin: germline.